The following is an entry in ClinVar:

NM_006440.5(TXNRD2):c.562A>G (p.Thr188Ala)

Gene: TXNRD2 (thioredoxin reductase 2; minus strand). Cytogenetic location: 22q11.21.
Variant type: single nucleotide variant.
Coding change: c.562A>G on transcript NM_006440.5 (MANE Select); coding-DNA position 562, A replaced by G.
Protein change: p.Thr188Ala; replaces threonine 188 with alanine.
Molecular consequence: missense variant. On other transcripts: non-coding transcript variant (1).
Genome position (GRCh38, 1-based): chr22:19,915,243, T>C on the plus strand (A>G on the coding strand, the complement: TXNRD2 is on the minus strand). VCF-style: chr22-19915243-T-C. GRCh37 (hg19) VCF-style: chr22-19902766-T-C.
Other names: c.562A>G, p.Thr188Ala (NM_001282512.3); c.559A>G, p.Thr187Ala (NM_001352300.2); c.472A>G, p.Thr158Ala (NM_001352301.2); c.274A>G, p.Thr92Ala (NM_001352302.2); c.466A>G, p.Thr156Ala (NM_001352303.2); short protein forms T156A, T158A, T187A, T188A, T92A.
Identifiers: ClinVar variation 2637084 (VCV002637084.1), dbSNP rs374133688, ClinGen allele CA410692474.
Genomic context (GRCh38, chr22:19,915,243, plus strand): 5'-AGCAGGGACGCTATGCTCTGGGGACACTCACGTGCGTGGGGTATCTCGGCCGCCCTCCAG[T>C]AGCAATGATGATGTGATCGGCTGACAGCAGAATCTGAGGAGAAAAAGAGAAAGCCGTGGG-3'
Protein context (NP_006431.2, residues 178-198): LLSADHIIIA[Thr188Ala]GGRPRYPTHI

ClinVar aggregate classification (germline): Uncertain significance (1 of 4 stars; one submission).

Conditions:
TXNRD2-related disorder. Also called: TXNRD2-related condition.

gnomAD v4.1: 1 of 1,613,750 alleles (0.000062%); highest among the groups gnomAD compares: African/African-American, 0.0013%; no homozygotes.

Submission:

PreventionGenetics, part of Exact Sciences
Classification: Uncertain significance for TXNRD2-related condition. Last evaluated: 2022-10-18. Review status: criteria provided, single submitter. Criteria: ACMG Guidelines, 2015. Collection method: clinical testing. Allele origin: germline.
Comment: The TXNRD2 c.562A>G variant is predicted to result in the amino acid substitution p.Thr188Ala. To our knowledge, this variant has not been reported in the literature or in a large population database, indicating this variant is rare. At this time, the clinical significance of this variant is uncertain due to the absence of conclusive functional and genetic evidence.